The following is an entry in ClinVar:

NM_001253697.2(ERBIN):c.148G>A (p.Glu50Lys)

Gene: ERBIN (erbb2 interacting protein; plus strand). Cytogenetic location: 5q12.3.
Variant type: single nucleotide variant.
Coding change: c.148G>A on transcript NM_001253697.2 (MANE Select); coding-DNA position 148, G replaced by A.
Protein change: p.Glu50Lys; replaces glutamic acid 50 with lysine.
Molecular consequence: missense variant.
Genome position (GRCh38, 1-based): chr5:65,992,866, G>A. VCF-style: chr5-65992866-G-A. GRCh37 (hg19) VCF-style: chr5-65288694-G-A.
Other names: c.148G>A, p.Glu50Lys (NM_001006600.3, NM_001253698.2, NM_001253699.2 and 2 more transcripts); short protein forms E50K.
Identifiers: ClinVar variation 5000136 (VCV005000136.1).

ClinVar aggregate classification (germline): Uncertain significance (1 of 4 stars; one submission).

Conditions:
ERBIN-related disorder. Also called: ERBIN-related condition.

gnomAD v4.1: 2 of 1,612,622 alleles (0.00012%); no homozygotes.

Submission:

PreventionGenetics, part of Exact Sciences
Classification: Uncertain significance for ERBIN-related condition. Last evaluated: 2025-06-10. Review status: criteria provided, single submitter. Criteria: ACMG Guidelines, 2015. Collection method: clinical testing. Allele origin: germline.
Comment: The ERBIN c.148G>A variant is predicted to result in the amino acid substitution p.Glu50Lys. To our knowledge, this variant has not been reported in the literature or in a large population database (gnomAD), indicating this variant is rare. At this time, the clinical significance of this variant is uncertain due to the absence of conclusive functional and genetic evidence.